The following is an entry in ClinVar:

ClinVar aggregate classification (germline): Conflicting classifications of pathogenicity. Review status: criteria provided, conflicting classifications (1 of 4 stars). 4 submissions from 4 submitters: Pathogenic (1); Likely pathogenic (2); Uncertain significance (1). Last evaluated 2026-07-22.

Conditions:
Undetermined early-onset epileptic encephalopathy. Identifiers: Orphanet 442835, MedGen C5680057, MONDO:0018614.
Cardiovascular phenotype. Identifiers: MedGen CN230736.
Brugada syndrome 5 (BRGDA5). Identifiers: Orphanet 130, Orphanet 871, MedGen C2748541, MONDO:0013015, OMIM 612838.

Allele frequency attached by ClinVar (database versions not stated): TOPMed below 0.00001; gnomAD 0.00001.
gnomAD v4.1: 1 of 1,613,822 alleles (0.000062%); highest among the groups gnomAD compares: African/African-American, 0.0013%; no homozygotes.

Submissions (4):

Ambry Genetics
Classification: Uncertain significance for Cardiovascular phenotype. Last evaluated: 2026-07-22. Review status: criteria provided, single submitter. Criteria: Ambry Variant Classification Scheme 2023. Collection method: clinical testing. Allele origin: germline.
Comment: The p.E66* variant (also known as c.196G>T), located in coding exon 2 of the SCN1B gene, results from a G to T substitution at nucleotide position 196. This changes the amino acid from a glutamic acid to a stop codon within coding exon 2. Although biallelic loss of function alterations in SCN1B have been associated with autosomal recessive SCN1B-related developmental and epileptic encehpalopathy, haploinsufficiency for SCN1B has not been clearly established as a mechanism of disease for autosomal dominant SCN1B-related epilepsy. Based on the supporting evidence, this variant is expected to be causative of autosomal recessive SCN1B-related developmental and epileptic encehpalopathy when present along with a second pathogenic variant on the other allele; however, its clinical significance for autosomal dominant SCN1B-related epilepsy is unclear.

Labcorp Genetics (formerly Invitae), Labcorp
Classification: Pathogenic for Brugada syndrome 5. Last evaluated: 2024-11-27. Review status: criteria provided, single submitter. Criteria: Invitae Variant Classification Sherloc (09022015). Collection method: clinical testing. Allele origin: germline.
Comment: This sequence change creates a premature translational stop signal (p.Glu66*) in the SCN1B gene. While this is not anticipated to result in nonsense mediated decay, it is expected to disrupt the last 203 amino acid(s) of the SCN1B protein. This variant is not present in population databases (gnomAD no frequency). This variant has not been reported in the literature in individuals affected with SCN1B-related conditions. ClinVar contains an entry for this variant (Variation ID: 488917). This variant disrupts a region of the SCN1B protein in which other variant(s) (p.Trp179*) have been determined to be pathogenic (PMID: 18464934; internal data). This suggests that this is a clinically significant region of the protein, and that variants that disrupt it are likely to be disease-causing. For these reasons, this variant has been classified as Pathogenic.

GeneDx
Classification: Likely pathogenic. Last evaluated: 2024-09-17. Review status: criteria provided, single submitter. Criteria: GeneDx Variant Classification Process June 2021. Collection method: clinical testing. Allele origin: germline. Affected: yes.
Comment: Nonsense variant predicted to result in protein truncation or nonsense mediated decay in a gene for which loss of function is a known mechanism of disease; Not observed at significant frequency in large population cohorts (gnomAD); Has not been previously published as pathogenic or benign to our knowledge

Laboratory for Molecular Medicine, Mass General Brigham Personalized Medicine
Classification: Likely pathogenic for Undetermined early-onset epileptic encephalopathy. Last evaluated: 2024-01-08. Review status: criteria provided, single submitter. Criteria: ACMG Guidelines, 2015. Collection method: clinical testing. Allele origin: germline. Inheritance: Autosomal recessive inheritance.
Comment: The p.Glu66X variant in SCN1B has not been previously reported in individuals with epilepsy but has been reported by other clinical laboratories in ClinVar (Variation ID 488917). It has also been identified in 0.002% (1/41472) of African chromosomes by gnomAD (v.3.1.2). This nonsense variant leads to a premature termination codon at position 66, which is predicted to lead to a truncated or absent protein. Biallelic loss of function of the SCN1B gene is has been associated with autosomal recessive epileptic encephalopathy (Patino 2009 PMID: 19710327, Ramadan 2017 PMID: 28218389, Chancey 2023 PMID: 37845033). Please note that this gene is also associated with autosomal dominant epilepsy, however at this time it is unknown if loss of function variants are also implicated in the disease mechanism. In summary, although additional studies are required to fully establish its clinical significance, this variant meets criteria to be classified as likely pathogenic for autosomal recessive epileptic encephalopathy. ACMG/AMP Criteria applied: PVS1, PM2_Supporting.

Literature cited by the submitters: PubMed 18464934 (cited by Labcorp Genetics (formerly Invitae), Labcorp); PubMed 28218389 (cited by Laboratory for Molecular Medicine, Mass General Brigham Personalized Medicine); PubMed 19710327 (cited by Laboratory for Molecular Medicine, Mass General Brigham Personalized Medicine); PubMed 37845033 (cited by Laboratory for Molecular Medicine, Mass General Brigham Personalized Medicine).

NM_001037.5(SCN1B):c.196G>T (p.Glu66Ter)

Gene: SCN1B (sodium voltage-gated channel beta subunit 1; plus strand). Cytogenetic location: 19q13.11.
Variant type: single nucleotide variant.
Coding change: c.196G>T on transcript NM_001037.5 (MANE Select); coding-DNA position 196, G replaced by T.
Protein change: p.Glu66Ter; replaces glutamic acid 66 with a stop codon.
Molecular consequence: nonsense.
Genome position (GRCh38, 1-based): chr19:35,032,683, G>T. VCF-style: chr19-35032683-G-T. GRCh37 (hg19) VCF-style: chr19-35523587-G-T.
Other names: c.97G>T, p.Glu33Ter (NM_001321605.2); c.196G>T, p.Glu66Ter (NM_199037.5); short protein forms E66*, E33*.
Identifiers: ClinVar variation 488917 (VCV000488917.12), dbSNP rs1193962006, ClinGen allele CA405328352.
Genomic context (GRCh38, chr19:35,032,683, plus strand): 5'-CGCAGCGAGACCAACGCTGAGACCTTCACCGAGTGGACCTTCCGCCAGAAGGGCACTGAG[G>T]AGTTTGTCAAGGTGTGCGGGTGCCGGGAACGGGCATGGGAGGGCAGGGGTCCACGAGTGG-3'